The following is an entry in ClinVar:

NM_001394998.1(TANC2):c.3804C>T (p.His1268=)

Genes: TANC2 (tetratricopeptide repeat, ankyrin repeat and coiled-coil containing 2; plus strand), LOC105371856 (uncharacterized LOC105371856; minus strand). Cytogenetic location: 17q23.3.
Variant type: single nucleotide variant.
Coding change: c.3804C>T on transcript NM_001394998.1 (MANE Select); coding-DNA position 3804, C replaced by T.
Protein change: p.His1268=; no amino-acid change (histidine 1268 retained).
Molecular consequence: synonymous variant.
Genome position (GRCh38, 1-based): chr17:63,412,036, C>T. VCF-style: chr17-63412036-C-T. GRCh37 (hg19) VCF-style: chr17-61489397-C-T.
Other names: c.3582C>T, p.His1194= (NM_001411076.1, NM_025185.4).
Identifiers: ClinVar variation 3048287 (VCV003048287.2), dbSNP rs765227242, ClinGen allele CA8698098.
Genomic context (GRCh38, chr17:63,412,036, plus strand): 5'-CTCTGCTTGATCCGTGTCCTAGGTCCAGTTCCTGGTAGATCATGGGGCCATGATCGAGCA[C>T]GTTGACTACAGTGGAATGCGCCCTTTGGATAGGGCAGTGGGGTGCCGGAACACTTCTGTT-3'
Protein context (NP_001381927.1, residues 1258-1278): FLVDHGAMIE[His1268=]VDYSGMRPLD

ClinVar aggregate classification (germline): Likely benign (0 of 4 stars; one submission).

Conditions:
TANC2-related disorder. Also called: TANC2-related condition.

Allele frequency attached by ClinVar (database versions not stated): ExAC 0.00001; gnomAD 0.00001; gnomAD exomes 0.00001; TOPMed 0.00001.
gnomAD v4.1: 9 of 1,613,716 alleles (0.00056%); highest among the groups gnomAD compares: Admixed American, 0.0033%; no homozygotes.

Submission:

PreventionGenetics, part of Exact Sciences
Classification: Likely benign for TANC2-related condition. Last evaluated: 2023-05-27. Review status: no assertion criteria provided. Collection method: clinical testing. Allele origin: germline.
Comment: This variant is classified as likely benign based on ACMG/AMP sequence variant interpretation guidelines (Richards et al. 2015 PMID: 25741868, with internal and published modifications).